The following is an entry in ClinVar:

NM_001626.6(AKT2):c.208C>G (p.Pro70Ala)

Gene: AKT2 (AKT serine/threonine kinase 2; minus strand). Cytogenetic location: 19q13.2.
Variant type: single nucleotide variant.
Coding change: c.208C>G on transcript NM_001626.6 (MANE Select); coding-DNA position 208, C replaced by G.
Protein change: p.Pro70Ala; replaces proline 70 with alanine.
Molecular consequence: missense variant.
Genome position (GRCh38, 1-based): chr19:40,255,237, G>C on the plus strand (C>G on the coding strand, the complement: AKT2 is on the minus strand). VCF-style: chr19-40255237-G-C. GRCh37 (hg19) VCF-style: chr19-40761144-G-C.
Other names: c.22C>G, p.Pro8Ala (NM_001243027.3, NM_001243028.3); c.208C>G, p.Pro70Ala (NM_001330511.1); short protein forms P70A, P8A.
Identifiers: ClinVar variation 1018900 (VCV001018900.9), dbSNP rs1170693725, ClinGen allele CA405871530.

ClinVar aggregate classification (germline): Uncertain significance (1 of 4 stars; one submission).

Conditions:
Type 2 diabetes mellitus. Also called: Type II diabetes mellitus. Identifiers: MedGen C0011860, MeSH D003924, MONDO:0005148, OMIM 125853, HP:0005978.
Hypoinsulinemic hypoglycemia and body hemihypertrophy. Also called: Hypoinsulinemic hypoglycemia and hemihypertrophy. Identifiers: Orphanet 293964, MedGen C3278384, MONDO:0009416, OMIM 240900.

Allele frequency attached by ClinVar (database versions not stated): gnomAD exomes below 0.00001.
gnomAD v4.1: 1 of 1,614,112 alleles (0.000062%); highest among the groups gnomAD compares: South Asian, 0.0011%; no homozygotes.

Submission:

Labcorp Genetics (formerly Invitae), Labcorp
Classification: Uncertain significance for Hypoinsulinemic hypoglycemia and body hemihypertrophy; Type 2 diabetes mellitus. Last evaluated: 2020-06-30. Review status: criteria provided, single submitter. Criteria: Invitae Variant Classification Sherloc (09022015). Collection method: clinical testing. Allele origin: germline.
Comment: In summary, the available evidence is currently insufficient to determine the role of this variant in disease. Therefore, it has been classified as a Variant of Uncertain Significance. This sequence change replaces proline with alanine at codon 70 of the AKT2 protein (p.Pro70Ala). The proline residue is highly conserved and there is a small physicochemical difference between proline and alanine. This variant is not present in population databases (ExAC no frequency). This variant has not been reported in the literature in individuals with AKT2-related conditions. Algorithms developed to predict the effect of missense changes on protein structure and function output the following: SIFT: "Deleterious"; PolyPhen-2: "Benign"; Align-GVGD: "Class C25". The alanine amino acid residue is found in multiple mammalian species, suggesting that this missense change does not adversely affect protein function. These predictions have not been confirmed by published functional studies and their clinical significance is uncertain.